The following is an entry in ClinVar:

NM_002878.4(RAD51D):c.226_238del (p.Lys76fs)

Genes: RAD51D (RAD51 paralog D; minus strand), RAD51L3-RFFL (RAD51L3-RFFL readthrough; minus strand). Cytogenetic location: 17q12.
Variant type: Deletion.
Coding change: c.226_238del on transcript NM_002878.4 (MANE Select); coding-DNA positions 226 to 238, 13 bases deleted (AAGACCTCCACTG).
Protein change: p.Lys76fs; shifts the reading frame from lysine 76.
Molecular consequence: frameshift variant. On other transcripts: intron variant (2).
Genome position (GRCh38, 1-based): chr17:35,118,526-35,118,538, CAGTGGAGGTCTT deleted on the plus strand (AAGACCTCCACTG on the coding strand, the reverse complement: RAD51D is on the minus strand); deleting any 13 consecutive bases within chr17:35,118,526-35,118,542 gives the same sequence; the c. name uses the placement nearest the transcript's 3' end. VCF-style (leftmost placement, unchanged base first): chr17-35118525-GCAGTGGAGGTCTT-G. GRCh37 (hg19) VCF-style: chr17-33445544-GCAGTGGAGGTCTT-G.
Other names: c.144+573_144+585del (NM_133629.3, NM_001142571.2); short protein forms K76fs.
Identifiers: ClinVar variation 3148569 (VCV003148569.1), dbSNP rs2509181434, ClinGen allele CA2825002494.

ClinVar aggregate classification (germline): Pathogenic (1 of 4 stars; one submission).

Conditions:
Breast-ovarian cancer, familial, susceptibility to, 4. Identifiers: Orphanet 145, MedGen C3280345, MONDO:0013669, OMIM 614291.

Submission:

Myriad Genetics, Inc.
Classification: Pathogenic for Breast-ovarian cancer, familial, susceptibility to, 4. Last evaluated: 2024-01-04. Review status: criteria provided, single submitter. Criteria: Myriad Autosomal Dominant, Autosomal Recessive and X-Linked Classification Criteria (2023). Collection method: clinical testing. Allele origin: unknown.
Comment: This variant is considered pathogenic. This variant creates a frameshift predicted to result in premature protein truncation.